The following is an entry in ClinVar:

ClinVar aggregate classification (germline): Pathogenic/Likely pathogenic. Review status: criteria provided, multiple submitters, no conflicts (2 of 4 stars). 3 submissions from 3 submitters: Pathogenic (2); Likely pathogenic (1). Last evaluated 2023-12-18.

Conditions:
Corticosterone 18-monooxygenase deficiency. Also called: ALDOSTERONE DEFICIENCY DUE TO DEFECT IN STEROID 18-HYDROXYLASE; ALDOSTERONE DEFICIENCY I; CMO I DEFICIENCY; STEROID 18-HYDROXYLASE DEFICIENCY; 18 Hydroxylase deficiency; Aldosterone deficiency due to defect in 18 hydroxylase. Identifiers: Orphanet 427, MedGen C0268293, MONDO:0008751, OMIM 203400. Disease mechanism: loss of function.
Corticosterone methyloxidase type 2 deficiency. Also called: 18-OXIDASE DEFICIENCY; ALDOSTERONE DEFICIENCY DUE TO DEFICIENCY OF STEROID 18-OXIDASE; ALDOSTERONE DEFICIENCY II; CMO II DEFICIENCY; STEROID 18-OXIDASE DEFICIENCY. Identifiers: Orphanet 427, MedGen C3463917, MONDO:0012524, OMIM 610600. Disease mechanism: loss of function.
CYP11B2-related disorders.

Allele frequency attached by ClinVar (database versions not stated): gnomAD exomes below 0.00001; gnomAD 0.00001.
gnomAD v4.1: 1 of 1,613,754 alleles (0.000062%); highest among the groups gnomAD compares: African/African-American, 0.0013%; no homozygotes.

Submissions (3):

Labcorp Genetics (formerly Invitae), Labcorp
Classification: Pathogenic. Last evaluated: 2023-12-18. Review status: criteria provided, single submitter. Criteria: Invitae Variant Classification Sherloc (09022015). Collection method: clinical testing. Allele origin: germline.
Comment: This sequence change affects an acceptor splice site in intron 1 of the CYP11B2 gene. It is expected to disrupt RNA splicing. Variants that disrupt the donor or acceptor splice site typically lead to a loss of protein function (PMID: 16199547), and loss-of-function variants in CYP11B2 are known to be pathogenic (PMID: 20494601, 22801770, 26936515). The frequency data for this variant in the population databases is considered unreliable, as metrics indicate poor data quality at this position in the gnomAD database. Disruption of this splice site has been observed in individual(s) with aldosterone synthase deficiency (PMID: 26936515). In at least one individual the data is consistent with being in trans (on the opposite chromosome) from a pathogenic variant. ClinVar contains an entry for this variant (Variation ID: 1454609). Studies have shown that disruption of this splice site alters mRNA splicing and is expected to lead to the loss of protein expression (PMID: 26936515). For these reasons, this variant has been classified as Pathogenic.

Blueprint Genetics
Classification: Likely pathogenic for CYP11B2-related disorders. Last evaluated: 2023-04-14. Review status: criteria provided, single submitter. Criteria: ACMG Guidelines, 2015. Collection method: clinical testing. Allele origin: germline. Affected: yes. Observed: 2 variant alleles.

Fulgent Genetics
Classification: Pathogenic for Corticosterone 18-monooxygenase deficiency; Corticosterone methyloxidase type 2 deficiency. Last evaluated: 2022-04-28. Review status: criteria provided, single submitter. Criteria: ACMG Guidelines, 2015. Collection method: clinical testing. Allele origin: unknown.

Literature cited by the submitters: PubMed 16199547 (cited by Labcorp Genetics (formerly Invitae), Labcorp); PubMed 20494601 (cited by Labcorp Genetics (formerly Invitae), Labcorp); PubMed 22801770 (cited by Labcorp Genetics (formerly Invitae), Labcorp); PubMed 26936515 (cited by Labcorp Genetics (formerly Invitae), Labcorp).

NM_000498.3(CYP11B2):c.240-2A>G

Genes: CYP11B2 (cytochrome P450 family 11 subfamily B member 2; minus strand), LOC106799834 (CYP11B2 recombination region; plus strand). Cytogenetic location: 8q24.3.
Variant type: single nucleotide variant.
Coding change: c.240-2A>G on transcript NM_000498.3 (MANE Select); the canonical splice acceptor site of the intron before coding-DNA position 240, A replaced by G.
Molecular consequence: splice acceptor variant.
Genome position (GRCh38, 1-based): chr8:142,917,216, T>C on the plus strand (A>G on the coding strand, the complement: CYP11B2 is on the minus strand). VCF-style: chr8-142917216-T-C. GRCh37 (hg19) VCF-style: chr8-143998632-T-C.
Identifiers: ClinVar variation 1454609 (VCV001454609.8), dbSNP rs1442525444, ClinGen allele CA372393204.